The following is an entry in ClinVar:

ClinVar aggregate classification (germline): Uncertain significance (1 of 4 stars; one submission).

Conditions:
Alstrom syndrome (ALMS). Identifiers: Orphanet 64, MedGen C0268425, MONDO:0008763, OMIM 203800.

Allele frequency attached by ClinVar (database versions not stated): gnomAD 0.00001.
gnomAD v4.1: 1 of 1,614,026 alleles (0.000062%); highest among the groups gnomAD compares: Admixed American, 0.0017%; no homozygotes.

Submission:

Labcorp Genetics (formerly Invitae), Labcorp
Classification: Uncertain significance for Alstrom syndrome. Last evaluated: 2023-07-17. Review status: criteria provided, single submitter. Criteria: Invitae Variant Classification Sherloc (09022015). Collection method: clinical testing. Allele origin: germline.
Comment: This variant has not been reported in the literature in individuals affected with ALMS1-related conditions. In summary, the available evidence is currently insufficient to determine the role of this variant in disease. Therefore, it has been classified as a Variant of Uncertain Significance. Experimental studies and prediction algorithms are not available or were not evaluated, and the functional significance of this variant is currently unknown. This variant is not present in population databases (gnomAD no frequency). This sequence change replaces valine, which is neutral and non-polar, with leucine, which is neutral and non-polar, at codon 4064 of the ALMS1 protein (p.Val4064Leu).

NM_001378454.1(ALMS1):c.12187G>C (p.Val4063Leu)

Genes: ALMS1 (ALMS1 centrosome and basal body associated protein; plus strand), LOC126806252 (BRD4-independent group 4 enhancer GRCh37_chr2:73828496-73829695; plus strand). Cytogenetic location: 2p13.1.
Variant type: single nucleotide variant.
Coding change: c.12187G>C on transcript NM_001378454.1 (MANE Select); coding-DNA position 12187, G replaced by C.
Protein change: p.Val4063Leu; replaces valine 4063 with leucine.
Molecular consequence: missense variant.
Genome position (GRCh38, 1-based): chr2:73,602,257, G>C. VCF-style: chr2-73602257-G-C. GRCh37 (hg19) VCF-style: chr2-73829384-G-C.
Other names: c.12190G>C, p.Val4064Leu (NM_015120.4); short protein forms V4063L, V4064L.
Identifiers: ClinVar variation 2968454 (VCV002968454.3), dbSNP rs1675711670, ClinGen allele CA347268017.
Genomic context (GRCh38, chr2:73,602,257, plus strand): 5'-TTTCACAGACCTGACTTCATCTCCCGCTCTGGGGAGCGGATAAAGCGCCTGAAGTTAATA[G>C]TCCAGGAGAGGAAGCTGCAGAGCATGTTACAGACCGAGCGGGATGCACTATTCAACATTG-3'
Protein context (NP_001365383.1, residues 4053-4073): GERIKRLKLI[Val4063Leu]QERKLQSMLQ